The following is an entry in ClinVar:

NM_006904.7(PRKDC):c.8077T>G (p.Leu2693Val)

Gene: PRKDC (protein kinase, DNA-activated, catalytic subunit; minus strand). Cytogenetic location: 8q11.21.
Variant type: single nucleotide variant.
Coding change: c.8077T>G on transcript NM_006904.7 (MANE Select); coding-DNA position 8077, T replaced by G.
Protein change: p.Leu2693Val; replaces leucine 2693 with valine.
Molecular consequence: missense variant.
Genome position (GRCh38, 1-based): chr8:47,834,271, A>C on the plus strand (T>G on the coding strand, the complement: PRKDC is on the minus strand). VCF-style: chr8-47834271-A-C. GRCh37 (hg19) VCF-style: chr8-48746832-A-C.
Other names: c.8077T>G, p.Leu2693Val (NM_001081640.2); short protein forms L2693V.
Identifiers: ClinVar variation 1761885 (VCV001761885.2), dbSNP rs1444914042, ClinGen allele CA371149487.

ClinVar aggregate classification (germline): Uncertain significance (1 of 4 stars; one submission).

Submission:

Ambry Genetics
Classification: Uncertain significance. Last evaluated: 2021-10-13. Review status: criteria provided, single submitter. Criteria: Ambry Variant Classification Scheme 2023. Collection method: clinical testing. Allele origin: germline.
Comment: The p.L2693V variant (also known as c.8077T>G), located in coding exon 59 of the PRKDC gene, results from a T to G substitution at nucleotide position 8077. The leucine at codon 2693 is replaced by valine, an amino acid with highly similar properties. This amino acid position is conserved. In addition, this alteration is predicted to be tolerated by in silico analysis. Since supporting evidence is limited at this time, the clinical significance of this alteration remains unclear.